The following is an entry in ClinVar:

ClinVar aggregate classification (germline): Uncertain significance (1 of 4 stars; one submission).

Submission:

GeneDx
Classification: Uncertain significance. Last evaluated: 2024-07-30. Review status: criteria provided, single submitter. Criteria: GeneDx Variant Classification Process June 2021. Collection method: clinical testing. Allele origin: germline. Affected: yes.
Comment: Not observed at significant frequency in large population cohorts (gnomAD); In silico analysis supports that this missense variant has a deleterious effect on protein structure/function; Has not been previously published as pathogenic or benign to our knowledge

NM_021964.3(ZNF148):c.202G>A (p.Glu68Lys)

Gene: ZNF148 (zinc finger protein 148; minus strand). Cytogenetic location: 3q21.2.
Variant type: single nucleotide variant.
Coding change: c.202G>A on transcript NM_021964.3 (MANE Select); coding-DNA position 202, G replaced by A.
Protein change: p.Glu68Lys; replaces glutamic acid 68 with lysine.
Molecular consequence: missense variant.
Genome position (GRCh38, 1-based): chr3:125,313,439, C>T on the plus strand (G>A on the coding strand, the complement: ZNF148 is on the minus strand). VCF-style: chr3-125313439-C-T. GRCh37 (hg19) VCF-style: chr3-125032283-C-T.
Other names: c.202G>A, p.Glu68Lys (NM_001348424.1, NM_001348425.2, NM_001348426.2 and 9 more transcripts); short protein forms E68K.
Identifiers: ClinVar variation 3603054 (VCV003603054.1).